The following is an entry in ClinVar:

ClinVar aggregate classification (germline): Uncertain significance. Review status: criteria provided, multiple submitters, no conflicts (2 of 4 stars). 2 submissions from 2 submitters: Uncertain significance (2). Last evaluated 2023-10-01.

Conditions:
Neurofibromatosis, type 1 (NF1). Also called: VON RECKLINGHAUSEN DISEASE; Peripheral type neurofibromatosis; Neurofibromatosis, type I; NEUROFIBROMATOSIS, TYPE I, SOMATIC. Identifiers: Orphanet 636, MedGen C0027831, MONDO:0018975, OMIM 162200. Disease mechanism: loss of function.
Hereditary cancer-predisposing syndrome. Also called: Neoplastic Syndromes, Hereditary; Hereditary Cancer Syndrome; Hereditary neoplastic syndrome; Tumor predisposition. Identifiers: Orphanet 140162, MedGen C0027672, MeSH D009386, MONDO:0015356.
Cardiovascular phenotype. Identifiers: MedGen CN230736.

Submissions (2):

Ambry Genetics
Classification: Uncertain significance for Cardiovascular phenotype; Hereditary cancer-predisposing syndrome. Last evaluated: 2023-10-01. Review status: criteria provided, single submitter. Criteria: Ambry Variant Classification Scheme 2023. Collection method: clinical testing. Allele origin: germline.
Comment: The p.L353F variant (also known as c.1057C>T), located in coding exon 9 of the NF1 gene, results from a C to T substitution at nucleotide position 1057. The leucine at codon 353 is replaced by phenylalanine, an amino acid with highly similar properties. This amino acid position is conserved. In addition, the in silico prediction for this alteration is inconclusive. Since supporting evidence is limited at this time, the clinical significance of this alteration remains unclear.

Labcorp Genetics (formerly Invitae), Labcorp
Classification: Uncertain significance for Neurofibromatosis, type 1. Last evaluated: 2022-12-25. Review status: criteria provided, single submitter. Criteria: Invitae Variant Classification Sherloc (09022015). Collection method: clinical testing. Allele origin: germline.
Comment: This sequence change replaces leucine, which is neutral and non-polar, with phenylalanine, which is neutral and non-polar, at codon 353 of the NF1 protein (p.Leu353Phe). This variant is not present in population databases (gnomAD no frequency). In summary, the available evidence is currently insufficient to determine the role of this variant in disease. Therefore, it has been classified as a Variant of Uncertain Significance. Advanced modeling of protein sequence and biophysical properties (such as structural, functional, and spatial information, amino acid conservation, physicochemical variation, residue mobility, and thermodynamic stability) performed at Invitae indicates that this missense variant is expected to disrupt NF1 protein function. This variant has not been reported in the literature in individuals affected with NF1-related conditions.

NM_001042492.3(NF1):c.1057C>T (p.Leu353Phe)

Gene: NF1 (neurofibromin 1; plus strand). Cytogenetic location: 17q11.2.
Variant type: single nucleotide variant.
Coding change: c.1057C>T on transcript NM_001042492.3 (MANE Select); coding-DNA position 1057, C replaced by T.
Protein change: p.Leu353Phe; replaces leucine 353 with phenylalanine.
Molecular consequence: missense variant.
Genome position (GRCh38, 1-based): chr17:31,200,590, C>T. VCF-style: chr17-31200590-C-T. GRCh37 (hg19) VCF-style: chr17-29527608-C-T.
Other names: c.1057C>T, p.Leu353Phe (NM_000267.4, NM_001128147.3); short protein forms L353F.
Identifiers: ClinVar variation 2818273 (VCV002818273.4), dbSNP rs2066510027, ClinGen allele CA398996537.